The following is an entry in ClinVar:

NM_001379500.1(COL18A1):c.2578-3C>T

Gene: COL18A1 (collagen type XVIII alpha 1 chain; plus strand). Cytogenetic location: 21q22.3.
Variant type: single nucleotide variant.
Coding change: c.2578-3C>T on transcript NM_001379500.1 (MANE Select); 3 bases into the intron before coding-DNA position 2578, C replaced by T.
Molecular consequence: intron variant.
Genome position (GRCh38, 1-based): chr21:45,497,047, C>T. VCF-style: chr21-45497047-C-T. GRCh37 (hg19) VCF-style: chr21-46916961-C-T.
Other names: c.3823-3C>T (NM_130444.3); c.3118-3C>T (NM_030582.4).
Identifiers: ClinVar variation 1488222 (VCV001488222.6), dbSNP rs777261480, ClinGen allele CA10067212.

ClinVar aggregate classification (germline): Uncertain significance (1 of 4 stars; one submission).

Allele frequency attached by ClinVar (database versions not stated): gnomAD exomes below 0.00001; ExAC 0.00001.
gnomAD v4.1: 10 of 1,601,514 alleles (0.00062%); highest among the groups gnomAD compares: Non-Finnish European, 0.00085%; no homozygotes.

Submission:

Labcorp Genetics (formerly Invitae), Labcorp
Classification: Uncertain significance. Last evaluated: 2022-02-11. Review status: criteria provided, single submitter. Criteria: Invitae Variant Classification Sherloc (09022015). Collection method: clinical testing. Allele origin: germline.
Comment: In summary, the available evidence is currently insufficient to determine the role of this variant in disease. Therefore, it has been classified as a Variant of Uncertain Significance. This sequence change falls in intron 30 of the COL18A1 gene. It does not directly change the encoded amino acid sequence of the COL18A1 protein. It affects a nucleotide within the consensus splice site. This variant is present in population databases (rs777261480, gnomAD 0.0009%). This variant has not been reported in the literature in individuals affected with COL18A1-related conditions. Variants that disrupt the consensus splice site are a relatively common cause of aberrant splicing (PMID: 17576681, 9536098). Experimental studies and prediction algorithms are not available or were not evaluated, and the effect of this variant on mRNA splicing is currently unknown.

Literature cited by the submitters: PubMed 17576681; PubMed 9536098.